The following is an entry in ClinVar:

NM_153717.3(EVC):c.1777-1G>A

Gene: EVC (EvC ciliary complex subunit 1; plus strand). Cytogenetic location: 4p16.2.
Variant type: single nucleotide variant.
Coding change: c.1777-1G>A on transcript NM_153717.3 (MANE Select); the canonical splice acceptor site of the intron before coding-DNA position 1777, G replaced by A.
Molecular consequence: splice acceptor variant.
Genome position (GRCh38, 1-based): chr4:5,793,607, G>A. VCF-style: chr4-5793607-G-A. GRCh37 (hg19) VCF-style: chr4-5795334-G-A.
Other names: c.1777-1G>A (NM_001306090.2).
Identifiers: ClinVar variation 554484 (VCV000554484.15), dbSNP rs1262933856, ClinGen allele CA356141472.
Genomic context (GRCh38, chr4:5,793,607, plus strand): 5'-CAAGCAGGATTGTTGAAGTGAGTAACCACATGCCTGCTCTGTCCCTCTGTCCCGAGTTCA[G>A]GTGTGGATGGAGGAGTGTGCGCTGTCCAGCGTGCTGCAGACACACCTGCGGGAGGACCAC-3'

ClinVar aggregate classification (germline): Pathogenic/Likely pathogenic. Review status: criteria provided, multiple submitters, no conflicts (2 of 4 stars). 6 submissions from 6 submitters: Pathogenic (2); Likely pathogenic (3). 1 of the submissions does not count toward it. Last evaluated 2025-08-23.

Conditions:
Curry-Hall syndrome (WAD). Also called: WEYERS ACRODENTAL DYSOSTOSIS. Identifiers: Orphanet 952, MedGen C0457013, MONDO:0008673, OMIM 193530.
Ellis-van Creveld syndrome (EVC). Also called: EVC2-Related Ellis-van Creveld Syndrome; EVC-Related Ellis-van Creveld Syndrome; MESOECTODERMAL DYSPLASIA; Chondroectodermal dysplasia. Identifiers: Orphanet 289, MedGen C0013903, MONDO:0009162, OMIM 225500.

Allele frequency attached by ClinVar (database versions not stated): gnomAD 0.00001; gnomAD exomes 0.00001; TOPMed 0.00002.
gnomAD v4.1: 16 of 1,551,602 alleles (0.001%); highest among the groups gnomAD compares: Non-Finnish European, 0.0012%; no homozygotes.

Submissions (6):

Natera, Inc.
Classification: Pathogenic for Ellis-van Creveld syndrome. Last evaluated: 2025-08-23. Review status: criteria provided, single submitter. Criteria: Natera Variant Classification Schema (03/2026). Collection method: clinical testing. Allele origin: germline.
Comment: The c.1777-1G>A variant in EVC is a canonical splice acceptor site variant predicted to affect pre-mRNA splicing, which may result in an abnormal transcript and altered protein product. This variant is expected to result in nonsense mediated decay, truncation, or a dysfunctional protein product. This variant is rare in the general population with a frequency below the threshold expected for the associated phenotype(s). This variant has been observed in one or more individuals affected with the associated recessive disease, as either homozygous or compound heterozygous with a second variant (PMID: 23220543). Another variant at this same site results in an alteration predicted to cause a similar molecular effect has been observed in individual(s) with the associated phenotype. Given the available evidence, this variant is classified as Pathogenic.

Labcorp Genetics (formerly Invitae), Labcorp
Classification: Pathogenic for Curry-Hall syndrome; Ellis-van Creveld syndrome. Last evaluated: 2024-02-07. Review status: criteria provided, single submitter. Criteria: Invitae Variant Classification Sherloc (09022015). Collection method: clinical testing. Allele origin: germline.
Comment: This sequence change affects an acceptor splice site in intron 12 of the EVC gene. It is expected to disrupt RNA splicing. Variants that disrupt the donor or acceptor splice site typically lead to a loss of protein function (PMID: 16199547), and loss-of-function variants in EVC are known to be pathogenic (PMID: 23220543). This variant is present in population databases (no rsID available, gnomAD 0.002%). Disruption of this splice site has been observed in individuals with Ellis-van Creveld syndrome (PMID: 17024374, 23220543). ClinVar contains an entry for this variant (Variation ID: 554484). Algorithms developed to predict the effect of sequence changes on RNA splicing suggest that this variant may disrupt the consensus splice site. For these reasons, this variant has been classified as Pathogenic.

Women's Health and Genetics/Laboratory Corporation of America, LabCorp
Classification: Likely pathogenic for Ellis-van Creveld syndrome. Last evaluated: 2024-01-26. Review status: criteria provided, single submitter. Criteria: LabCorp Variant Classification Summary - May 2015. Collection method: clinical testing. Allele origin: germline.
Comment: Variant summary: EVC c.1777-1G>A is located in a canonical splice-site and is predicted to affect mRNA splicing resulting in a significantly altered protein due to either exon skipping, shortening, or inclusion of intronic material. Several computational tools predict a significant impact on normal splicing: Three predict the variant abolishes a 3' acceptor site. However, these predictions have yet to be confirmed by functional studies. The variant allele was found at a frequency of 6.4e-06 in 156352 control chromosomes (gnomAD). c.1777-1G>A has been reported in the literature in the compound heterozygous state in an individual affected with Ellis-van Creveld syndrome (D'Asdia_2013). To our knowledge, no experimental evidence demonstrating an impact on protein function has been reported. The following publication has been ascertained in the context of this evaluation (PMID: 23220543). ClinVar contains an entry for this variant (Variation ID: 554484). Based on the evidence outlined above, the variant was classified as likely pathogenic.

Fulgent Genetics
Classification: Likely pathogenic for Curry-Hall syndrome; Ellis-van Creveld syndrome. Last evaluated: 2024-01-23. Review status: criteria provided, single submitter. Criteria: ACMG Guidelines, 2015. Collection method: clinical testing. Allele origin: germline.

Laboratorio de Genetica e Diagnostico Molecular, Hospital Israelita Albert Einstein
Classification: Likely pathogenic for Ellis-van Creveld syndrome. Last evaluated: 2021-11-03. Review status: criteria provided, single submitter. Criteria: ACMG Guidelines, 2015. Collection method: clinical testing. Allele origin: germline. Affected: yes.
Comment: ACMG classification criteria: PVS1 strong, PS4 supporting, PM2 moderate, PM3 supporting

Counsyl
Classification: Likely pathogenic for Ellis-van Creveld syndrome. Last evaluated: 2017-10-19. Review status: no assertion criteria provided. Collection method: clinical testing. Allele origin: unknown. Not counted in ClinVar's aggregate classification.

Literature cited by the submitters: PubMed 23220543 (cited by 4 submitters); PubMed 16199547 (cited by Labcorp Genetics (formerly Invitae), Labcorp); PubMed 17024374 (cited by Labcorp Genetics (formerly Invitae), Labcorp).